The following is an entry in ClinVar:

NM_000257.4(MYH7):c.2609G>T (p.Arg870Leu)

Genes: MYH7 (myosin heavy chain 7; minus strand), LOC126861898 (BRD4-independent group 4 enhancer GRCh37_chr14:23893609-23894808; plus strand). Cytogenetic location: 14q11.2.
Variant type: single nucleotide variant.
Coding change: c.2609G>T on transcript NM_000257.4 (MANE Select); coding-DNA position 2609, G replaced by T.
Protein change: p.Arg870Leu; replaces arginine 870 with leucine.
Molecular consequence: missense variant.
Genome position (GRCh38, 1-based): chr14:23,424,839, C>A on the plus strand (G>T on the coding strand, the complement: MYH7 is on the minus strand). VCF-style: chr14-23424839-C-A. GRCh37 (hg19) VCF-style: chr14-23894048-C-A.
Other names: p.Arg870Leu; c.2609G>T (LRG_384t1); short protein forms R870L.
Identifiers: ClinVar variation 235031 (VCV000235031.39), dbSNP rs36211715, ClinGen allele CA10581172.

ClinVar aggregate classification (germline): Conflicting classifications of pathogenicity. Review status: criteria provided, conflicting classifications (1 of 4 stars). 9 submissions from 9 submitters: Pathogenic (2); Likely pathogenic (6); Uncertain significance (1). Last evaluated 2026-10-31.

Conditions:
Cardiovascular phenotype. Identifiers: MedGen CN230736.
Hypertrophic cardiomyopathy. Also called: HYPERTROPHIC MYOCARDIOPATHY. Identifiers: Orphanet 217569, MedGen C0007194, MeSH D002312, MONDO:0005045, HP:0001639.
Cardiomyopathy (CMYO). Also called: Cardiomyopathies. Identifiers: Orphanet 167848, MedGen C0878544, MONDO:0004994, HP:0001638. Inheritance: Various modes of inheritance.
MYH7-related disorder. Also called: MYH7-related condition; MYH7-related disease; MYH7-related disorders.
Hypertrophic cardiomyopathy 1 (CMH1). Also called: MYH7-Related Familial Hypertrophic Cardiomyopathy; Familial hypertrophic cardiomyopathy 1. Identifiers: MedGen C3495498, MONDO:0008647, OMIM 192600.

gnomAD v4.1: 1 of 1,614,204 alleles (0.000062%); highest among the groups gnomAD compares: Non-Finnish European, 0.000085%; no homozygotes.

Submissions (9):

Department of Molecular Genetics, Istishari Arab Hospital
Classification: Pathogenic for Hypertrophic cardiomyopathy 1. Last evaluated: 2026-10-31. Review status: criteria provided, single submitter. Criteria: ACMG Guidelines, 2015. Collection method: clinical testing. Allele origin: germline. Inheritance: Autosomal dominant inheritance. Affected: no.
Comment: The MYH7 variant c.2609G>T, p.Arg870Leu creates an amino acid change from Arg to Leu at position 870 in exon 22 (of 40). The variant is observed with very low frequency in the gnomAD v4.1.0 dataset. This variant was previously reported in patients with autosomal dominant hypertrophic cardiomyopathy (PMID: 25132132‚ 29907873). This variant is classified as pathogenic based on the implementation of ACMG/AMP/ClinGen SVI guidelines.

Molecular Diagnostic Laboratory for Inherited Cardiovascular Disease, Montreal Heart Institute
Classification: Pathogenic for Cardiovascular phenotype. Last evaluated: 2026-02-06. Review status: criteria provided, single submitter. Criteria: ACMG Guidelines, 2015. Collection method: clinical testing. Allele origin: germline. Affected: yes.

Labcorp Genetics (formerly Invitae), Labcorp
Classification: Likely pathogenic for Hypertrophic cardiomyopathy. Last evaluated: 2025-12-06. Review status: criteria provided, single submitter. Criteria: Invitae Variant Classification Sherloc (09022015). Collection method: clinical testing. Allele origin: germline.
Comment: This sequence change replaces arginine, which is basic and polar, with leucine, which is neutral and non-polar, at codon 870 of the MYH7 protein (p.Arg870Leu). This variant is not present in population databases (gnomAD no frequency). This missense change has been observed in individual(s) with autosomal dominant hypertrophic cardiomyopathy (PMID: 25132132, 29907873). ClinVar contains an entry for this variant (Variation ID: 235031). Invitae Evidence Modeling of protein sequence and biophysical properties (such as structural, functional, and spatial information, amino acid conservation, physicochemical variation, residue mobility, and thermodynamic stability) indicates that this missense variant is expected to disrupt MYH7 protein function with a positive predictive value of 95%. This variant disrupts the p.Arg870 amino acid residue in MYH7. Other variant(s) that disrupt this residue have been determined to be pathogenic (PMID: 7796500, 9172070, 10725281, 12974739, 17125710, 17192269, 17703256, 19150014, 20031618, 21674835, 22429680, 23283745, 23816408, 24111713, 27532257). This suggests that this residue is clinically significant, and that variants that disrupt this residue are likely to be disease-causing. In summary, the currently available evidence indicates that the variant is pathogenic, but additional data are needed to prove that conclusively. Therefore, this variant has been classified as Likely Pathogenic.

CeGaT Center for Human Genetics Tuebingen
Classification: Likely pathogenic. Last evaluated: 2023-12-01. Review status: criteria provided, single submitter. Criteria: CeGaT Center For Human Genetics Tuebingen Variant Classification Criteria Version 2. Collection method: clinical testing. Allele origin: germline. Affected: yes. Observed: 2 variant alleles.
Comment: MYH7: PM1, PM2, PM5, PP2, PS4:Supporting

Molecular Genetics, Royal Melbourne Hospital
Classification: Likely pathogenic for Hypertrophic cardiomyopathy. Last evaluated: 2023-03-30. Review status: criteria provided, single submitter. Criteria: ACMG Guidelines, 2015. Collection method: clinical testing. Allele origin: germline. Affected: yes.
Comment: This sequence change in MYH7 is predicted to replace arginine with leucine at codon 870, p.(Arg870Leu). The arginine residue is highly conserved (100 vertebrates, UCSC), and is located in a region, amino acids 181-937, that is defined as a mutational hotspot. There is a large physicochemical difference between arginine and leucine. This variant is absent from gnomAD v2.1 and v3.1. This variant has been reported in at least two probands with hypertrophic cardiomyopathy (PMID: 25132132, 29907873). Multiple lines of computational evidence predict a deleterious effect for the missense substitution (4/5 algorithms). Another missense variant c.2609G>A, p.Arg870His in the same codon has been classified as pathogenic for hypertrophic cardiomyopathy (Shariant; ClinVar ID: 14120). Based on the classification scheme RMH Modified ACMG Guidelines v1.5.1, this variant is classified as LIKELY PATHOGENIC. Following criteria are met: PM1, PM5, PS4_Supporting, PM2_Supporting, PP3.

Blueprint Genetics
Classification: Likely pathogenic for MYH7-related disorders. Last evaluated: 2022-04-13. Review status: criteria provided, single submitter. Criteria: ACMG Guidelines, 2015. Collection method: clinical testing. Allele origin: germline. Affected: yes. Observed: 2 variant alleles.

CHEO Genetics Diagnostic Laboratory, Children's Hospital of Eastern Ontario
Classification: Likely pathogenic for Cardiomyopathy. Last evaluated: 2019-07-19. Review status: criteria provided, single submitter. Criteria: ACMG Guidelines, 2015. Collection method: clinical testing. Allele origin: germline.

Stanford Center for Inherited Cardiovascular Disease, Stanford University
Classification: Uncertain significance. Last evaluated: 2015-07-01. Review status: criteria provided, single submitter. Criteria: ACMG Guidelines, 2015. Collection method: provider interpretation. Allele origin: germline.

Juno Genomics, Hangzhou Juno Genomics, Inc
Classification: Likely pathogenic for Hypertrophic cardiomyopathy 1. Review status: criteria provided, single submitter. Criteria: ACMG Guidelines, 2015. Collection method: clinical testing. Allele origin: germline.
Comment: Absent from controls (or at extremely low frequency if recessive) in Genome Aggregation Database.;Multiple lines of computational evidence support a deleterious effect on the gene or gene product.;Novel missense change at an amino acid residue where a different missense change determined to be pathogenic has been seen before.;Located in a mutational hot spot and/or critical and well-established functional domain without benign variation.

Literature cited by the submitters: PubMed 25132132 (cited by 3 submitters); PubMed 29907873 (cited by 3 submitters); PubMed 7796500 (cited by Labcorp Genetics (formerly Invitae), Labcorp); PubMed 9172070 (cited by Labcorp Genetics (formerly Invitae), Labcorp); PubMed 10725281 (cited by Labcorp Genetics (formerly Invitae), Labcorp); PubMed 12974739 (cited by Labcorp Genetics (formerly Invitae), Labcorp); PubMed 17125710 (cited by Labcorp Genetics (formerly Invitae), Labcorp); PubMed 17192269 (cited by Labcorp Genetics (formerly Invitae), Labcorp); PubMed 17703256 (cited by Labcorp Genetics (formerly Invitae), Labcorp); PubMed 19150014 (cited by Labcorp Genetics (formerly Invitae), Labcorp); PubMed 20031618 (cited by Labcorp Genetics (formerly Invitae), Labcorp); PubMed 21674835 (cited by Labcorp Genetics (formerly Invitae), Labcorp); PubMed 22429680 (cited by Labcorp Genetics (formerly Invitae), Labcorp); PubMed 23283745 (cited by Labcorp Genetics (formerly Invitae), Labcorp); PubMed 23816408 (cited by Labcorp Genetics (formerly Invitae), Labcorp); PubMed 24111713 (cited by Labcorp Genetics (formerly Invitae), Labcorp); PubMed 27532257 (cited by Labcorp Genetics (formerly Invitae), Labcorp).